The following is an entry in ClinVar:

NM_004519.4(KCNQ3):c.296G>T (p.Arg99Ile)

Gene: KCNQ3 (potassium voltage-gated channel subfamily Q member 3; minus strand). Cytogenetic location: 8q24.22.
Variant type: single nucleotide variant.
Coding change: c.296G>T on transcript NM_004519.4 (MANE Select); coding-DNA position 296, G replaced by T.
Protein change: p.Arg99Ile; replaces arginine 99 with isoleucine.
Molecular consequence: missense variant.
Genome position (GRCh38, 1-based): chr8:132,480,237, C>A on the plus strand (G>T on the coding strand, the complement: KCNQ3 is on the minus strand). VCF-style: chr8-132480237-C-A. GRCh37 (hg19) VCF-style: chr8-133492484-C-A.
Other names: short protein forms R99I.
Identifiers: ClinVar variation 2897963 (VCV002897963.3), dbSNP rs1822516917, ClinGen allele CA372292507.

ClinVar aggregate classification (germline): Uncertain significance (1 of 4 stars; one submission).

Conditions:
Benign neonatal seizures. Also called: Benign familial neonatal seizures; Autosomal dominant form of benign neonatal seizures; Benign neonatal familial convulsions; Convulsions benign familial neonatal dominant form; Benign familial neonatal epilepsy. Identifiers: Orphanet 1949, MedGen C0220669, MONDO:0016027.

Allele frequency attached by ClinVar (database versions not stated): TOPMed below 0.00001.

Submission:

Labcorp Genetics (formerly Invitae), Labcorp
Classification: Uncertain significance for Benign neonatal seizures. Last evaluated: 2023-11-27. Review status: criteria provided, single submitter. Criteria: Invitae Variant Classification Sherloc (09022015). Collection method: clinical testing. Allele origin: germline.
Comment: This sequence change replaces arginine, which is basic and polar, with isoleucine, which is neutral and non-polar, at codon 99 of the KCNQ3 protein (p.Arg99Ile). This variant is not present in population databases (gnomAD no frequency). This variant has not been reported in the literature in individuals affected with KCNQ3-related conditions. Advanced modeling of protein sequence and biophysical properties (such as structural, functional, and spatial information, amino acid conservation, physicochemical variation, residue mobility, and thermodynamic stability) performed at Invitae indicates that this missense variant is not expected to disrupt KCNQ3 protein function with a negative predictive value of 80%. In summary, the available evidence is currently insufficient to determine the role of this variant in disease. Therefore, it has been classified as a Variant of Uncertain Significance.